The following is an entry in ClinVar:

NM_000170.3(GLDC):c.488C>T (p.Pro163Leu)

Gene: GLDC (glycine decarboxylase; minus strand). Cytogenetic location: 9p24.1.
Variant type: single nucleotide variant.
Coding change: c.488C>T on transcript NM_000170.3 (MANE Select); coding-DNA position 488, C replaced by T.
Protein change: p.Pro163Leu; replaces proline 163 with leucine.
Molecular consequence: missense variant.
Genome position (GRCh38, 1-based): chr9:6,610,339, G>A on the plus strand (C>T on the coding strand, the complement: GLDC is on the minus strand). VCF-style: chr9-6610339-G-A. GRCh37 (hg19) VCF-style: chr9-6610339-G-A.
Other names: short protein forms P163L.
Identifiers: ClinVar variation 1711939 (VCV001711939.2), dbSNP rs2489111114, ClinGen allele CA372898629.

ClinVar aggregate classification (germline): Uncertain significance (1 of 4 stars; one submission).

Allele frequency attached by ClinVar (database versions not stated): gnomAD exomes below 0.00001.
gnomAD v4.1: 1 of 1,614,008 alleles (0.000062%); highest among the groups gnomAD compares: Non-Finnish European, 0.000085%; no homozygotes.

Submission:

GeneDx
Classification: Uncertain significance. Last evaluated: 2022-04-18. Review status: criteria provided, single submitter. Criteria: GeneDx Variant Classification Process June 2021. Collection method: clinical testing. Allele origin: germline. Affected: yes.
Comment: Not observed at significant frequency in large population cohorts (gnomAD); In silico analysis supports that this missense variant has a deleterious effect on protein structure/function; Has not been previously published as pathogenic or benign to our knowledge